The following is an entry in ClinVar:

ClinVar aggregate classification (germline): Uncertain significance. Review status: criteria provided, multiple submitters, no conflicts (2 of 4 stars). 2 submissions from 2 submitters: Uncertain significance (2). Last evaluated 2025-05-13.

Conditions:
Inborn genetic diseases. Identifiers: MedGen C0950123, MeSH D030342.

gnomAD v4.1: 111 of 1,613,884 alleles (0.0069%); highest among the groups gnomAD compares: Non-Finnish European, 0.0089%; no homozygotes.

Submissions (2):

Ambry Genetics
Classification: Uncertain significance for Inborn genetic diseases. Last evaluated: 2025-05-13. Review status: criteria provided, single submitter. Criteria: Ambry Variant Classification Scheme 2023. Collection method: clinical testing. Allele origin: germline.

GeneDx
Classification: Uncertain significance. Last evaluated: 2024-07-01. Review status: criteria provided, single submitter. Criteria: GeneDx Variant Classification Process June 2021. Collection method: clinical testing. Allele origin: germline. Affected: yes.
Comment: In silico analysis indicates that this missense variant does not alter protein structure/function; Has not been previously published as pathogenic or benign to our knowledge

NM_001005388.3(NFASC):c.398G>A (p.Arg133His)

Gene: NFASC (neurofascin; plus strand). Cytogenetic location: 1q32.1.
Variant type: single nucleotide variant.
Coding change: c.398G>A on transcript NM_001005388.3 (MANE Select); coding-DNA position 398, G replaced by A.
Protein change: p.Arg133His; replaces arginine 133 with histidine.
Molecular consequence: missense variant. On other transcripts: non-coding transcript variant (1).
Genome position (GRCh38, 1-based): chr1:204,954,370, G>A. VCF-style: chr1-204954370-G-A. GRCh37 (hg19) VCF-style: chr1-204923498-G-A.
Other names: c.398G>A, p.Arg133His (NM_001005389.2, NM_001378329.1); c.380G>A, p.Arg127His (NM_001160331.2, NM_001160332.2, NM_001160333.2 and 4 more transcripts); c.398G>A (NM_001005388.2); short protein forms R133H, R127H.
Identifiers: ClinVar variation 3393604 (VCV003393604.2).
Genomic context (GRCh38, chr1:204,954,370, plus strand): 5'-AGGGGGAATATCAGTGCTTCGCCCGCAACAAATTTGGCACGGCCCTGTCCAATAGGATCC[G>A]CCTGCAGGTGTCTAGTGAGTAGCGTGGGGCAGGGCTGAAATGCCCTGCTCCTGGGTAAAT-3'
Protein context (NP_001005388.2, residues 123-143): KFGTALSNRI[Arg133His]LQVSKSPLWP